The following is an entry in ClinVar:

ClinVar aggregate classification (germline): Pathogenic (1 of 4 stars; one submission).

Conditions:
Renpenning syndrome. Also called: SUTHERLAND-HAAN X-LINKED MENTAL RETARDATION SYNDROME; MENTAL RETARDATION, X-LINKED 55; MENTAL RETARDATION, X-LINKED, SYNDROMIC 8; Mental retardation, X-linked Renpenning type; X-linked mental retardation with spastic diplegia; X-linked mental retardation syndromic 3. Identifiers: Orphanet 3242, MedGen C0796135, MONDO:0010653, OMIM 309500.

Submission:

Department of Pediatrics, Fuyang People's Hospital of Anhui Medical University
Classification: Pathogenic for Renpenning syndrome. Last evaluated: 2011-01-20. Review status: criteria provided, single submitter. Criteria: ACMG Guidelines, 2015. Collection method: research. Allele origin: germline. Inheritance: X-linked recessive inheritance. Affected: yes. Observed: 3 variant alleles.
Comment: This frameshift duplication (c.632dup, previously described as c.631insA in Rejeb et al., 2011) in exon 5 of the PQBP1 gene introduces a premature stop codon at amino acid position 226, which is predicted to lead to a truncated protein or nonsense-mediated mRNA decay (PVS1). This mutation was not reported in literature or online databases as a polymorphism, suggesting it is not a common benign variant (PM2). In this Tunisian family (Rejeb et al., 2011), it was found in a hemizygous state in three brothers (II-1, II-2, II-3) presenting with mild to severe mental retardation, short stature, lean body, and microcephaly. The variant was present in their obligate carrier mother (I-2) and absent in a healthy brother (II-5), demonstrating segregation with the disease in multiple affected individuals (PP1_Strong). The phenotype is highly specific for PQBP1-related Renpenning syndrome (PP4). In summary, this variant meets criteria to be classified as Pathogenic for Renpenning syndrome based on the ACMG/AMP guidelines (PMID:25741868): PVS1, PM2, PP1_Strong, PP4.

Literature cited by the submitters: PubMed 21315190.

NM_001032382.2(PQBP1):c.632dup (p.Asp211fs)

Gene: PQBP1 (polyglutamine binding protein 1; plus strand). Cytogenetic location: Xp11.23.
Variant type: Duplication.
Coding change: c.632dup on transcript NM_001032382.2 (MANE Select); coding-DNA position 632, one base duplicated (A; older notation c.632dupA).
Protein change: p.Asp211fs; shifts the reading frame from aspartic acid 211.
Molecular consequence: frameshift variant.
Genome position (GRCh38, 1-based): chrX:48,902,786, A duplicated. VCF-style (leftmost placement, unchanged base first): chrX-48902785-G-GA. GRCh37 (hg19) VCF-style: chrX-48760062-G-GA.
Other names: c.632dup, p.Asp211fs (NM_001032381.2, NM_001032383.2, NM_001032384.1 and 1 more transcripts); c.629dup, p.Asp210fs (NM_001167989.2); c.608dup, p.Asp203fs (NM_001167990.2); c.332dup, p.Asp111fs (NM_001167992.1); c.347dup, p.Asp116fs (NM_001437502.1, NM_144495.3); short protein forms D111fs, D116fs, D203fs, D210fs, D211fs.
Identifiers: ClinVar variation 4795964 (VCV004795964.1).